The following is an entry in ClinVar:

NM_005228.5(EGFR):c.1913C>A (p.Thr638Lys)

Gene: EGFR (epidermal growth factor receptor; plus strand). Cytogenetic location: 7p11.2.
Variant type: single nucleotide variant.
Coding change: c.1913C>A on transcript NM_005228.5 (MANE Select); coding-DNA position 1913, C replaced by A.
Protein change: p.Thr638Lys; replaces threonine 638 with lysine.
Molecular consequence: missense variant.
Genome position (GRCh38, 1-based): chr7:55,171,207, C>A. VCF-style: chr7-55171207-C-A. GRCh37 (hg19) VCF-style: chr7-55238900-C-A.
Other names: c.1778C>A, p.Thr593Lys (NM_001346897.2, NM_001346899.2); c.1913C>A, p.Thr638Lys (NM_001346898.2); c.1754C>A, p.Thr585Lys (NM_001346900.2); c.1112C>A, p.Thr371Lys (NM_001346941.2); short protein forms T371K, T585K, T638K, T593K.
Identifiers: ClinVar variation 1475728 (VCV001475728.8), dbSNP rs571064657, ClinGen allele CA367582305.

ClinVar aggregate classification (germline): Uncertain significance (1 of 4 stars; one submission).

Conditions:
EGFR-related lung cancer (EGFR). Identifiers: MedGen CN130014.

Submission:

Labcorp Genetics (formerly Invitae), Labcorp
Classification: Uncertain significance for EGFR-related lung cancer. Last evaluated: 2021-08-12. Review status: criteria provided, single submitter. Criteria: Invitae Variant Classification Sherloc (09022015). Collection method: clinical testing. Allele origin: germline.
Comment: Algorithms developed to predict the effect of missense changes on protein structure and function output the following: SIFT: "Tolerated"; PolyPhen-2: "Benign"; Align-GVGD: "Class C0". The lysine amino acid residue is found in multiple mammalian species, suggesting that this missense change does not adversely affect protein function. These predictions have not been confirmed by published functional studies and their clinical significance is uncertain. In summary, the available evidence is currently insufficient to determine the role of this variant in disease. Therefore, it has been classified as a Variant of Uncertain Significance. This variant has not been reported in the literature in individuals with EGFR-related conditions. This variant is not present in population databases (ExAC no frequency). This sequence change replaces threonine with lysine at codon 638 of the EGFR protein (p.Thr638Lys). The threonine residue is weakly conserved and there is a moderate physicochemical difference between threonine and lysine.